The following is an entry in ClinVar:

ClinVar aggregate classification (germline): Uncertain significance. Review status: criteria provided, multiple submitters, no conflicts (2 of 4 stars). 2 submissions from 2 submitters: Uncertain significance (2). Last evaluated 2023-11-24.

Submissions (2):

Labcorp Genetics (formerly Invitae), Labcorp
Classification: Uncertain significance. Last evaluated: 2023-11-24. Review status: criteria provided, single submitter. Criteria: Invitae Variant Classification Sherloc (09022015). Collection method: clinical testing. Allele origin: germline.
Comment: This sequence change replaces methionine, which is neutral and non-polar, with valine, which is neutral and non-polar, at codon 646 of the SETBP1 protein (p.Met646Val). This variant is not present in population databases (gnomAD no frequency). This variant has not been reported in the literature in individuals affected with SETBP1-related conditions. Advanced modeling of protein sequence and biophysical properties (such as structural, functional, and spatial information, amino acid conservation, physicochemical variation, residue mobility, and thermodynamic stability) performed at Invitae indicates that this missense variant is not expected to disrupt SETBP1 protein function with a negative predictive value of 80%. In summary, the available evidence is currently insufficient to determine the role of this variant in disease. Therefore, it has been classified as a Variant of Uncertain Significance.

CeGaT Center for Human Genetics Tuebingen
Classification: Uncertain significance. Last evaluated: 2023-11-01. Review status: criteria provided, single submitter. Criteria: CeGaT Center For Human Genetics Tuebingen Variant Classification Criteria Version 2. Collection method: clinical testing. Allele origin: germline. Affected: yes. Observed: 1 variant allele.
Comment: SETBP1: PM2, BP4

NM_015559.3(SETBP1):c.1936A>G (p.Met646Val)

Gene: SETBP1 (SET binding protein 1; plus strand). Cytogenetic location: 18q12.3.
Variant type: single nucleotide variant.
Coding change: c.1936A>G on transcript NM_015559.3 (MANE Select); coding-DNA position 1936, A replaced by G.
Protein change: p.Met646Val; replaces methionine 646 with valine.
Molecular consequence: missense variant.
Genome position (GRCh38, 1-based): chr18:44,951,276, A>G. VCF-style: chr18-44951276-A-G. GRCh37 (hg19) VCF-style: chr18-42531241-A-G.
Other names: c.1936A>G, p.Met646Val (NM_001379141.1, NM_001379142.1, NM_001410862.1); short protein forms M646V.
Identifiers: ClinVar variation 2672724 (VCV002672724.26), dbSNP rs2511469852, ClinGen allele CA402319983.